The following is an entry in ClinVar:

NM_001371928.1(AHDC1):c.4392A>T (p.Thr1464=)

Gene: AHDC1 (AT-hook DNA binding motif containing 1; minus strand). Cytogenetic location: 1p36.11.
Variant type: single nucleotide variant.
Coding change: c.4392A>T on transcript NM_001371928.1 (MANE Select); coding-DNA position 4392, A replaced by T.
Protein change: p.Thr1464=; no amino-acid change (threonine 1464 retained).
Molecular consequence: synonymous variant.
Genome position (GRCh38, 1-based): chr1:27,547,724, T>A on the plus strand (A>T on the coding strand, the complement: AHDC1 is on the minus strand). VCF-style: chr1-27547724-T-A. GRCh37 (hg19) VCF-style: chr1-27874235-T-A.
Other names: c.4392A>T, p.Thr1464= (NM_001029882.3); c.348A>T, p.Thr116= (NM_015699.1).
Identifiers: ClinVar variation 2638561 (VCV002638561.24), dbSNP rs1291837711, ClinGen allele CA416977397.
Genomic context (GRCh38, chr1:27,547,724, plus strand): 5'-ACCCACCTTGCCTTCATAGGGCGGGCTGCGGGCAGCTGAGCCTGGAGGGTACCAATAGGC[T>A]GTGCCCTTGCAGCTGGGGGAATCGTAGTGGGGCTGGCCCAGCGGCAGGTCCCGGCAGCTC-3'
Protein context (NP_001358857.1, residues 1454-1474): PHYDSPSCKG[Thr1464=]AYWYPPGSAA

ClinVar aggregate classification (germline): Likely benign (1 of 4 stars; one submission).

Allele frequency attached by ClinVar (database versions not stated): gnomAD exomes below 0.00001; TOPMed below 0.00001; gnomAD 0.00001.

Submission:

CeGaT Center for Human Genetics Tuebingen
Classification: Likely benign. Last evaluated: 2023-04-01. Review status: criteria provided, single submitter. Criteria: CeGaT Center For Human Genetics Tuebingen Variant Classification Criteria Version 2. Collection method: clinical testing. Allele origin: germline. Affected: yes. Observed: 1 variant allele.
Comment: AHDC1: BP4, BP7